The following is an entry in ClinVar:

ClinVar aggregate classification (germline): Uncertain significance (1 of 4 stars; one submission).

Conditions:
Emery-Dreifuss muscular dystrophy 4, autosomal dominant (EDMD4). Also called: EMERY-DREIFUSS MUSCULAR DYSTROPHY 4 WITH VARIABLE FEATURES. Identifiers: Orphanet 261, MedGen C2751807, MONDO:0013071, OMIM 612998.
Autosomal recessive ataxia, Beauce type. Also called: Spinocerebellar ataxia, autosomal recessive 8; ATAXIA, RECESSIVE, OF BEAUCE; SYNE1-Related Autosomal Recessive Cerebellar Ataxia; SYNE1 Deficiency. Identifiers: Orphanet 88644, MedGen C1853116, MONDO:0012549, OMIM 610743.

Allele frequency attached by ClinVar (database versions not stated): gnomAD exomes below 0.00001; ExAC 0.00001.
gnomAD v4.1: 1 of 1,614,094 alleles (0.000062%); highest among the groups gnomAD compares: Non-Finnish European, 0.000085%; no homozygotes.

Submission:

Labcorp Genetics (formerly Invitae), Labcorp
Classification: Uncertain significance for Emery-Dreifuss muscular dystrophy 4, autosomal dominant; Autosomal recessive ataxia, Beauce type. Last evaluated: 2023-12-23. Review status: criteria provided, single submitter. Criteria: Invitae Variant Classification Sherloc (09022015). Collection method: clinical testing. Allele origin: germline.
Comment: This sequence change replaces glutamine, which is neutral and polar, with leucine, which is neutral and non-polar, at codon 5285 of the SYNE1 protein (p.Gln5285Leu). This variant is not present in population databases (gnomAD no frequency). This variant has not been reported in the literature in individuals affected with SYNE1-related conditions. An algorithm developed to predict the effect of missense changes on protein structure and function (PolyPhen-2) suggests that this variant is likely to be tolerated. In summary, the available evidence is currently insufficient to determine the role of this variant in disease. Therefore, it has been classified as a Variant of Uncertain Significance.

NM_182961.4(SYNE1):c.16067A>T (p.Gln5356Leu)

Gene: SYNE1 (spectrin repeat containing nuclear envelope protein 1; minus strand). Cytogenetic location: 6q25.2.
Variant type: single nucleotide variant.
Coding change: c.16067A>T on transcript NM_182961.4 (MANE Select); coding-DNA position 16067, A replaced by T.
Protein change: p.Gln5356Leu; replaces glutamine 5356 with leucine.
Molecular consequence: missense variant.
Genome position (GRCh38, 1-based): chr6:152,321,737, T>A on the plus strand (A>T on the coding strand, the complement: SYNE1 is on the minus strand). VCF-style: chr6-152321737-T-A. GRCh37 (hg19) VCF-style: chr6-152642872-T-A.
Other names: c.15854A>T, p.Gln5285Leu (NM_033071.5); short protein forms Q5356L, Q5285L.
Identifiers: ClinVar variation 2931494 (VCV002931494.3), dbSNP rs772823120, ClinGen allele CA4055624.
Genomic context (GRCh38, chr6:152,321,737, plus strand): 5'-TTTTTGAAATGATGGGTAAAGAGAATGAGGAGACTTTTTTGTACCTGAAGTTCTTCAAGT[T>A]GAGCATCTATTTCTATTGTTGGATTCCCTAAATATTCTTTCGTTTCCTGAACCCAACATT-3'
Protein context (NP_892006.3, residues 5346-5366): LGNPTIEIDA[Gln5356Leu]LEELQILLTE